The following is an entry in ClinVar:

ClinVar aggregate classification (germline): Likely benign (0 of 4 stars; one submission).

Conditions:
GALC-related disorder. Also called: GALC-related condition.

gnomAD v4.1: 2 of 1,515,842 alleles (0.00013%); highest among the groups gnomAD compares: African/African-American, 0.0027%; no homozygotes.

Submission:

PreventionGenetics, part of Exact Sciences
Classification: Likely benign for GALC-related condition. Last evaluated: 2024-09-04. Review status: no assertion criteria provided. Collection method: clinical testing. Allele origin: germline.
Comment: This variant is classified as likely benign based on ACMG/AMP sequence variant interpretation guidelines (Richards et al. 2015 PMID: 25741868, with internal and published modifications).

NM_000153.4(GALC):c.1251+9A>T

Gene: GALC (galactosylceramidase; minus strand). Cytogenetic location: 14q31.3.
Variant type: single nucleotide variant.
Coding change: c.1251+9A>T on transcript NM_000153.4 (MANE Select); 9 bases into the intron after coding-DNA position 1251, A replaced by T.
Molecular consequence: intron variant.
Genome position (GRCh38, 1-based): chr14:87,950,650, T>A on the plus strand (A>T on the coding strand, the complement: GALC is on the minus strand). VCF-style: chr14-87950650-T-A. GRCh37 (hg19) VCF-style: chr14-88416994-T-A.
Other names: c.618+9A>T (NM_001424076.1, NM_001424077.1); c.1173+9A>T (NM_001201402.2); c.1182+9A>T (NM_001201401.2); c.903+9A>T (NM_001424075.1, NM_001424074.1); c.1083+9A>T (NM_001424072.1, NM_001424073.1, NM_001424071.1).
Identifiers: ClinVar variation 3355201 (VCV003355201.1).